The following is an entry in ClinVar:

NM_032776.3(JMJD1C):c.6232C>T (p.Arg2078Cys)

Gene: JMJD1C (jumonji domain containing 1C; minus strand). Cytogenetic location: 10q21.3.
Variant type: single nucleotide variant.
Coding change: c.6232C>T on transcript NM_032776.3 (MANE Select); coding-DNA position 6232, C replaced by T.
Protein change: p.Arg2078Cys; replaces arginine 2078 with cysteine.
Molecular consequence: missense variant. On other transcripts: non-coding transcript variant (1).
Genome position (GRCh38, 1-based): chr10:63,190,953, G>A on the plus strand (C>T on the coding strand, the complement: JMJD1C is on the minus strand). VCF-style: chr10-63190953-G-A. GRCh37 (hg19) VCF-style: chr10-64950713-G-A.
Other names: c.5686C>T, p.Arg1896Cys (NM_001282948.2, NM_001318154.2); c.5368C>T, p.Arg1790Cys (NM_001318153.2); c.6118C>T, p.Arg2040Cys (NM_001322252.2); c.5575C>T, p.Arg1859Cys (NM_001322254.2, NM_001322258.2); short protein forms R2078C, R1790C, R2040C, R1859C, R1896C.
Identifiers: ClinVar variation 3666507 (VCV003666507.2).

ClinVar aggregate classification (germline): Uncertain significance (1 of 4 stars; one submission).

Conditions:
Early Myoclonic Encephalopathy. Identifiers: MedGen C0270855.

gnomAD v4.1: 12 of 1,614,012 alleles (0.00074%); highest among the groups gnomAD compares: East Asian, 0.0022%; no homozygotes.

Submission:

Labcorp Genetics (formerly Invitae), Labcorp
Classification: Uncertain significance for Early Myoclonic Encephalopathy. Last evaluated: 2024-10-20. Review status: criteria provided, single submitter. Criteria: Invitae Variant Classification Sherloc (09022015). Collection method: clinical testing. Allele origin: germline.
Comment: This sequence change replaces arginine, which is basic and polar, with cysteine, which is neutral and slightly polar, at codon 2078 of the JMJD1C protein (p.Arg2078Cys). This variant is present in population databases (no rsID available, gnomAD 0.004%). This variant has not been reported in the literature in individuals affected with JMJD1C-related conditions. Invitae Evidence Modeling of protein sequence and biophysical properties (such as structural, functional, and spatial information, amino acid conservation, physicochemical variation, residue mobility, and thermodynamic stability) indicates that this missense variant is expected to disrupt JMJD1C protein function with a positive predictive value of 80%. In summary, the available evidence is currently insufficient to determine the role of this variant in disease. Therefore, it has been classified as a Variant of Uncertain Significance.